The following is an entry in ClinVar:

NM_000426.4(LAMA2):c.5335T>C (p.Tyr1779His)

Gene: LAMA2 (laminin subunit alpha 2; plus strand). Cytogenetic location: 6q22.33.
Variant type: single nucleotide variant.
Coding change: c.5335T>C on transcript NM_000426.4 (MANE Select); coding-DNA position 5335, T replaced by C.
Protein change: p.Tyr1779His; replaces tyrosine 1779 with histidine.
Molecular consequence: missense variant.
Genome position (GRCh38, 1-based): chr6:129,393,145, T>C. VCF-style: chr6-129393145-T-C. GRCh37 (hg19) VCF-style: chr6-129714290-T-C.
Other names: c.5335T>C, p.Tyr1779His (NM_001079823.2); short protein forms Y1779H.
Identifiers: ClinVar variation 543846 (VCV000543846.5), dbSNP rs746898932, ClinGen allele CA3993851.
Genomic context (GRCh38, chr6:129,393,145, plus strand): 5'-GGAGAGTCCCGGGGGGAAAATGAAGAAATGGAGAAGGATCTCCGGGAAAAACTGGCTGAC[T>C]ACAAAAACAAAGTTGATGATGCTTGGGACCTTTTGAGAGAAGCCACAGATAAAATCAGAG-3'
Protein context (NP_000417.3, residues 1769-1789): EKDLREKLAD[Tyr1779His]KNKVDDAWDL

ClinVar aggregate classification (germline): Uncertain significance. Review status: criteria provided, multiple submitters, no conflicts (2 of 4 stars). 3 submissions from 3 submitters: Uncertain significance (3). Last evaluated 2024-10-28.

Conditions:
LAMA2-related muscular dystrophy (LAMA2-RD). Also called: Laminin alpha 2-related dystrophy. Identifiers: MedGen C5679788, MONDO:0100228.
Inborn genetic diseases. Identifiers: MedGen C0950123, MeSH D030342.

Allele frequency attached by ClinVar (database versions not stated): gnomAD 0.00001 and 0.00002; gnomAD exomes 0.00001; ExAC 0.00002.
gnomAD v4.1: 7 of 1,614,004 alleles (0.00043%); highest among the groups gnomAD compares: East Asian, 0.016%; no homozygotes.

Submissions (3):

Revvity Omics, Revvity
Classification: Uncertain significance. Last evaluated: 2024-10-28. Review status: criteria provided, single submitter. Criteria: ACMG Guidelines, 2015. Collection method: clinical testing. Allele origin: germline.

Labcorp Genetics (formerly Invitae), Labcorp
Classification: Uncertain significance for LAMA2-related muscular dystrophy. Last evaluated: 2022-08-23. Review status: criteria provided, single submitter. Criteria: Invitae Variant Classification Sherloc (09022015). Collection method: clinical testing. Allele origin: germline.
Comment: This sequence change replaces tyrosine, which is neutral and polar, with histidine, which is basic and polar, at codon 1779 of the LAMA2 protein (p.Tyr1779His). This variant is present in population databases (rs746898932, gnomAD 0.02%). This variant has not been reported in the literature in individuals affected with LAMA2-related conditions. ClinVar contains an entry for this variant (Variation ID: 543846). Advanced modeling of protein sequence and biophysical properties (such as structural, functional, and spatial information, amino acid conservation, physicochemical variation, residue mobility, and thermodynamic stability) performed at Invitae indicates that this missense variant is not expected to disrupt LAMA2 protein function. In summary, the available evidence is currently insufficient to determine the role of this variant in disease. Therefore, it has been classified as a Variant of Uncertain Significance.

Ambry Genetics
Classification: Uncertain significance for Inborn genetic diseases. Last evaluated: 2022-06-01. Review status: criteria provided, single submitter. Criteria: Ambry Variant Classification Scheme 2023. Collection method: clinical testing. Allele origin: germline.